The following is an entry in ClinVar:

ClinVar aggregate classification (germline): Pathogenic/Likely pathogenic. Review status: criteria provided, multiple submitters, no conflicts (2 of 4 stars). 2 submissions from 2 submitters: Pathogenic (1); Likely pathogenic (1). Last evaluated 2025-09-15.

Conditions:
Familial adenomatous polyposis 1 (FAP1). Also called: POLYPOSIS, ADENOMATOUS INTESTINAL; FAMILIAL ADENOMATOUS POLYPOSIS 1, ATTENUATED. Identifiers: MedGen C2713442, MONDO:0021056, OMIM 175100. Disease mechanism: loss of function.
Hereditary cancer-predisposing syndrome. Also called: Neoplastic Syndromes, Hereditary; Tumor predisposition; Hereditary Cancer Syndrome; Hereditary neoplastic syndrome. Identifiers: Orphanet 140162, MedGen C0027672, MeSH D009386, MONDO:0015356.

Submissions (2):

Ambry Genetics
Classification: Likely pathogenic for Hereditary cancer-predisposing syndrome. Last evaluated: 2025-09-15. Review status: criteria provided, single submitter. Criteria: Ambry Variant Classification Scheme 2023. Collection method: clinical testing. Allele origin: germline.
Comment: The p.S2005* variant (also known as c.6014C>G), located in coding exon 15 of the APC gene, results from a C to G substitution at nucleotide position 6014. This changes the amino acid from a serine to a stop codon within coding exon 15. This alteration occurs at the 3' terminus of the gene, is not expected to trigger nonsense-mediated mRNA decay, and impacts the last 29.5% of the protein. However, premature stop codons are typically deleterious in nature and a significant portion of the protein is affected (Ambry internal data). This variant is considered to be rare based on population cohorts in the Genome Aggregation Database (gnomAD). Based on the majority of available evidence to date, this variant is likely to be pathogenic.

Labcorp Genetics (formerly Invitae), Labcorp
Classification: Pathogenic for Familial adenomatous polyposis 1. Last evaluated: 2025-04-30. Review status: criteria provided, single submitter. Criteria: Invitae Variant Classification Sherloc (09022015). Collection method: clinical testing. Allele origin: germline.
Comment: This sequence change creates a premature translational stop signal (p.Ser2005*) in the APC gene. While this is not anticipated to result in nonsense mediated decay, it is expected to disrupt the last 839 amino acid(s) of the APC protein. This variant is not present in population databases (gnomAD no frequency). This variant has not been reported in the literature in individuals affected with APC-related conditions. This variant is expected to disrupt the EB1 and HDLG binding sites, which mediate interactions with the cytoskeleton (PMID: 15311282, 17293347). While functional studies have not been performed to directly test the effect on APC protein function, this suggests that disruption of the C-terminal portion of the protein is functionally important. A different truncation (p.Tyr2645Lysfs*14) that lies downstream of this variant has been determined to be pathogenic (PMID: 9824584, 1316610, 27081525, 8381579, 22135120, internal data). This suggests that deletion of this region of the APC protein is causative of disease. For these reasons, this variant has been classified as Pathogenic.

Literature cited by the submitters: PubMed 15311282 (cited by Labcorp Genetics (formerly Invitae), Labcorp); PubMed 17293347 (cited by Labcorp Genetics (formerly Invitae), Labcorp); PubMed 9824584 (cited by Labcorp Genetics (formerly Invitae), Labcorp); PubMed 1316610 (cited by Labcorp Genetics (formerly Invitae), Labcorp); PubMed 27081525 (cited by Labcorp Genetics (formerly Invitae), Labcorp); PubMed 8381579 (cited by Labcorp Genetics (formerly Invitae), Labcorp); PubMed 22135120 (cited by Labcorp Genetics (formerly Invitae), Labcorp).

NM_000038.6(APC):c.6014C>G (p.Ser2005Ter)

Gene: APC (APC regulator of Wnt signaling pathway; plus strand). Cytogenetic location: 5q22.2.
Variant type: single nucleotide variant.
Coding change: c.6014C>G on transcript NM_000038.6 (MANE Select); coding-DNA position 6014, C replaced by G.
Protein change: p.Ser2005Ter; replaces serine 2005 with a stop codon.
Molecular consequence: nonsense. On other transcripts: non-coding transcript variant (2).
Genome position (GRCh38, 1-based): chr5:112,841,608, C>G. VCF-style: chr5-112841608-C-G. GRCh37 (hg19) VCF-style: chr5-112177305-C-G.
Other names: c.6014C>G, p.Ser2005Ter (NM_001127510.3, NM_001354895.2, NM_001407450.1); c.5960C>G, p.Ser1987Ter (NM_001127511.3); c.6068C>G, p.Ser2023Ter (NM_001354896.2, NM_001407447.1, NM_001407448.1 and 1 more transcripts); c.6044C>G, p.Ser2015Ter (NM_001354897.2); c.5939C>G, p.Ser1980Ter (NM_001354898.2); c.5930C>G, p.Ser1977Ter (NM_001354899.2); c.5891C>G, p.Ser1964Ter (NM_001354900.2); c.5837C>G, p.Ser1946Ter (NM_001354901.2, NM_001407453.1); and 11 more; short protein forms S1980*, S2023*, S2033*, S1621*, S1722*, S1879*, S1946*, S1964*.
Identifiers: ClinVar variation 4575262 (VCV004575262.2).